The following is an entry in ClinVar:

NM_000038.6(APC):c.7125A>G (p.Gln2375=)

Gene: APC (APC regulator of Wnt signaling pathway; plus strand). Cytogenetic location: 5q22.2.
Variant type: single nucleotide variant.
Coding change: c.7125A>G on transcript NM_000038.6 (MANE Select); coding-DNA position 7125, A replaced by G.
Protein change: p.Gln2375=; no amino-acid change (glutamine 2375 retained).
Molecular consequence: synonymous variant.
Genome position (GRCh38, 1-based): chr5:112,842,719, A>G. VCF-style: chr5-112842719-A-G. GRCh37 (hg19) VCF-style: chr5-112178416-A-G.
Other names: c.7125A>G, p.Gln2375= (NM_001127510.3, NM_001354895.2); c.7071A>G, p.Gln2357= (NM_001127511.3); c.7179A>G, p.Gln2393= (NM_001354896.2); c.7155A>G, p.Gln2385= (NM_001354897.2); c.7050A>G, p.Gln2350= (NM_001354898.2); c.7041A>G, p.Gln2347= (NM_001354899.2); c.7002A>G, p.Gln2334= (NM_001354900.2); c.6948A>G, p.Gln2316= (NM_001354901.2); and 5 more.
Identifiers: ClinVar variation 135717 (VCV000135717.23), dbSNP rs587780603, ClinGen allele CA012853.

ClinVar aggregate classification (germline): Benign/Likely benign. Review status: criteria provided, multiple submitters, no conflicts (2 of 4 stars). 7 submissions from 7 submitters: Benign (2); Likely benign (5). Last evaluated 2026-01-19.

Conditions:
Familial adenomatous polyposis 1 (FAP1). Also called: FAMILIAL ADENOMATOUS POLYPOSIS 1, ATTENUATED; POLYPOSIS, ADENOMATOUS INTESTINAL. Identifiers: MedGen C2713442, MONDO:0021056, OMIM 175100. Disease mechanism: loss of function.
Hereditary cancer-predisposing syndrome. Also called: Tumor predisposition; Hereditary neoplastic syndrome; Neoplastic Syndromes, Hereditary; Hereditary Cancer Syndrome. Identifiers: Orphanet 140162, MedGen C0027672, MeSH D009386, MONDO:0015356.

Allele frequency attached by ClinVar (database versions not stated): gnomAD 0.00001; TOPMed 0.00001; gnomAD exomes 0.00002; ExAC 0.00003.
gnomAD v4.1: 32 of 1,613,848 alleles (0.002%); highest among the groups gnomAD compares: Non-Finnish European, 0.0025%; no homozygotes.

Submissions (7):

Labcorp Genetics (formerly Invitae), Labcorp
Classification: Likely benign for Familial adenomatous polyposis 1. Last evaluated: 2026-01-19. Review status: criteria provided, single submitter. Criteria: Invitae Variant Classification Sherloc (09022015). Collection method: clinical testing. Allele origin: germline.

Myriad Genetics, Inc.
Classification: Benign for Familial adenomatous polyposis 1. Last evaluated: 2024-04-09. Review status: criteria provided, single submitter. Criteria: Myriad Autosomal Dominant, Autosomal Recessive and X-Linked Classification Criteria (2023). Collection method: clinical testing. Allele origin: unknown.
Comment: This variant is considered benign. This variant is a silent/synonymous amino acid change and it is not expected to impact splicing.

Quest Diagnostics Nichols Institute San Juan Capistrano
Classification: Likely benign. Last evaluated: 2021-08-18. Review status: criteria provided, single submitter. Criteria: Quest Diagnostics criteria. Collection method: clinical testing. Allele origin: unknown.

Sema4
Classification: Likely benign for Hereditary cancer-predisposing syndrome. Last evaluated: 2020-05-10. Review status: criteria provided, single submitter. Criteria: Sema4 Curation Guidelines. Collection method: curation. Allele origin: germline.

Color Diagnostics, LLC DBA Color Health
Classification: Likely benign for Hereditary cancer-predisposing syndrome. Last evaluated: 2016-11-22. Review status: criteria provided, single submitter. Criteria: ACMG Guidelines, 2015. Collection method: clinical testing. Allele origin: germline.

GeneDx
Classification: Benign. Last evaluated: 2015-09-12. Review status: criteria provided, single submitter. Criteria: GeneDx Variant Classification Process June 2021. Collection method: clinical testing. Allele origin: germline. Affected: yes.

Ambry Genetics
Classification: Likely benign for Hereditary cancer-predisposing syndrome. Last evaluated: 2015-06-22. Review status: criteria provided, single submitter. Criteria: Ambry Variant Classification Scheme 2023. Collection method: clinical testing. Allele origin: germline.